The following is an entry in ClinVar:

NM_001458.5(FLNC):c.7313_7330dup (p.Gly2438_Arg2443dup)

Genes: FLNC-AS1 (FLNC antisense RNA 1; minus strand), FLNC (filamin C; plus strand). Cytogenetic location: 7q32.1.
Variant type: Duplication.
Coding change: c.7313_7330dup on transcript NM_001458.5 (MANE Select); coding-DNA positions 7313 to 7330, 18 bases duplicated (GCGTGATTGATGCCCGGG).
Protein change: p.Gly2438_Arg2443dup.
Molecular consequence: inframe insertion.
Genome position (GRCh38, 1-based): chr7:128,856,579-128,856,596, GCGTGATTGATGCCCGGG duplicated; duplicating any 18 consecutive bases within chr7:128,856,571-128,856,596 gives the same sequence; the c. name uses the placement nearest the transcript's 3' end. VCF-style (leftmost placement, unchanged base first): chr7-128856570-G-GTGCCCGGGGCGTGATTGA. GRCh37 (hg19) VCF-style: chr7-128496624-G-GTGCCCGGGGCGTGATTGA.
Other names: c.7214_7231dup, p.Gly2405_Arg2410dup (NM_001127487.2).
Identifiers: ClinVar variation 472167 (VCV000472167.10), dbSNP rs1554401762, ClinGen allele CA658657726.

ClinVar aggregate classification (germline): Uncertain significance (1 of 4 stars; one submission).

Conditions:
Distal myopathy with posterior leg and anterior hand involvement. Also called: WILLIAMS DISTAL MYOPATHY. Identifiers: Orphanet 63273, MedGen C3279722, MONDO:0013550, OMIM 614065.
Myofibrillar myopathy 5. Also called: Filaminopathy (type); FILAMINOPATHY, AUTOSOMAL DOMINANT. Identifiers: Orphanet 171445, MedGen C1836050, MONDO:0012289, OMIM 609524.
Hypertrophic cardiomyopathy 26. Also called: Cardiomyopathy, familial hypertrophic, 26. Identifiers: Orphanet 75249, MedGen C4310749, MONDO:0014883, OMIM 617047.

Submission:

Labcorp Genetics (formerly Invitae), Labcorp
Classification: Uncertain significance for Distal myopathy with posterior leg and anterior hand involvement; Myofibrillar myopathy 5; Hypertrophic cardiomyopathy 26. Last evaluated: 2025-04-11. Review status: criteria provided, single submitter. Criteria: Invitae Variant Classification Sherloc (09022015). Collection method: clinical testing. Allele origin: germline.
Comment: This variant, c.7313_7330dup, results in the insertion of 6 amino acid(s) of the FLNC protein (p.Gly2438_Arg2443dup), but otherwise preserves the integrity of the reading frame. This variant is not present in population databases (gnomAD no frequency). This variant has not been reported in the literature in individuals affected with FLNC-related conditions. ClinVar contains an entry for this variant (Variation ID: 472167). Experimental studies and prediction algorithms are not available or were not evaluated, and the functional significance of this variant is currently unknown. In summary, the available evidence is currently insufficient to determine the role of this variant in disease. Therefore, it has been classified as a Variant of Uncertain Significance.